The following is an entry in ClinVar:

ClinVar aggregate classification (germline): Likely benign (1 of 4 stars; one submission).

gnomAD v4.1: 117 of 1,613,430 alleles (0.0073%); highest among the groups gnomAD compares: South Asian, 0.11%; no homozygotes.

Submission:

CeGaT Center for Human Genetics Tuebingen
Classification: Likely benign. Last evaluated: 2026-08-01. Review status: criteria provided, single submitter. Criteria: CeGaT Center For Human Genetics Tuebingen Variant Classification Criteria Version 2. Collection method: clinical testing. Allele origin: germline. Affected: yes. Observed: 1 variant allele.
Comment: MAST3: BS1

NM_001393504.1(MAST3):c.400-5A>G

Genes: MAST3 (microtubule associated serine/threonine kinase 3; plus strand), LOC126862876 (BRD4-independent group 4 enhancer GRCh37_chr19:18232970-18234169; plus strand). Cytogenetic location: 19p13.11.
Variant type: single nucleotide variant.
Coding change: c.400-5A>G on transcript NM_001393504.1 (MANE Select); 5 bases into the intron before coding-DNA position 400, A replaced by G.
Molecular consequence: intron variant.
Genome position (GRCh38, 1-based): chr19:18,123,212, A>G. VCF-style: chr19-18123212-A-G. GRCh37 (hg19) VCF-style: chr19-18234022-A-G.
Other names: c.424-5A>G (NM_001393501.1); c.403-5A>G (NM_001393502.1); c.334-5A>G (NM_001393508.1, NM_001393516.1); c.313-5A>G (NM_001393514.1, NM_015016.2); c.331-5A>G (NM_001393509.1, NM_001393512.1, NM_001393518.1 and 2 more transcripts); c.310-5A>G (NM_001393515.1, NM_001393520.1); c.400-5A>G (NM_001393503.1); c.379-5A>G (NM_001393507.1); and 4 more.
Identifiers: ClinVar variation 5041878 (VCV005041878.1).